The following is an entry in ClinVar:

NM_004656.4(BAP1):c.1868G>A (p.Ser623Asn)

Gene: BAP1 (BRCA1 associated deubiquitinase 1; minus strand). Cytogenetic location: 3p21.1.
Variant type: single nucleotide variant.
Coding change: c.1868G>A on transcript NM_004656.4 (MANE Select); coding-DNA position 1868, G replaced by A.
Protein change: p.Ser623Asn; replaces serine 623 with asparagine.
Molecular consequence: missense variant.
Genome position (GRCh38, 1-based): chr3:52,403,160, C>T on the plus strand (G>A on the coding strand, the complement: BAP1 is on the minus strand). VCF-style: chr3-52403160-C-T. GRCh37 (hg19) VCF-style: chr3-52437176-C-T.
Other names: c.1868G>A (NM_004656.2); short protein forms S623N.
Identifiers: ClinVar variation 629041 (VCV000629041.18), dbSNP rs1207146972, ClinGen allele CA353098033.

ClinVar aggregate classification (germline): Uncertain significance. Review status: criteria provided, multiple submitters, no conflicts (2 of 4 stars). 5 submissions from 5 submitters: Uncertain significance (5). Last evaluated 2025-08-13.

Conditions:
Hereditary cancer-predisposing syndrome. Also called: Neoplastic Syndromes, Hereditary; Tumor predisposition; Hereditary neoplastic syndrome; Hereditary Cancer Syndrome. Identifiers: Orphanet 140162, MedGen C0027672, MeSH D009386, MONDO:0015356.
BAP1-related tumor predisposition syndrome (TPDS1). Also called: Tumor susceptibility linked to germline BAP1 mutations; BAP1 tumor predisposition syndrome; TUMOR PREDISPOSITION SYNDROME 1; COMMON Syndrome. Identifiers: Orphanet 289539, MedGen C3280492, MONDO:0013692, OMIM 614327.

Allele frequency attached by ClinVar (database versions not stated): gnomAD exomes below 0.00001.

Submissions (5):

Labcorp Genetics (formerly Invitae), Labcorp
Classification: Uncertain significance for BAP1-related tumor predisposition syndrome. Last evaluated: 2025-08-13. Review status: criteria provided, single submitter. Criteria: Invitae Variant Classification Sherloc (09022015). Collection method: clinical testing. Allele origin: germline.
Comment: This sequence change replaces serine, which is neutral and polar, with asparagine, which is neutral and polar, at codon 623 of the BAP1 protein (p.Ser623Asn). This variant is present in population databases (no rsID available, gnomAD 0.003%). This variant has not been reported in the literature in individuals affected with BAP1-related conditions. ClinVar contains an entry for this variant (Variation ID: 629041). Invitae Evidence Modeling of protein sequence and biophysical properties (such as structural, functional, and spatial information, amino acid conservation, physicochemical variation, residue mobility, and thermodynamic stability) indicates that this missense variant is not expected to disrupt BAP1 protein function with a negative predictive value of 80%. In summary, the available evidence is currently insufficient to determine the role of this variant in disease. Therefore, it has been classified as a Variant of Uncertain Significance.

Ambry Genetics
Classification: Uncertain significance for Hereditary cancer-predisposing syndrome. Last evaluated: 2025-02-08. Review status: criteria provided, single submitter. Criteria: Ambry Variant Classification Scheme 2023. Collection method: clinical testing. Allele origin: germline.
Comment: The p.S623N variant (also known as c.1868G>A), located in coding exon 14 of the BAP1 gene, results from a G to A substitution at nucleotide position 1868. The serine at codon 623 is replaced by asparagine, an amino acid with highly similar properties. This amino acid position is conserved. In addition, this alteration is predicted to be tolerated by in silico analysis. Based on the available evidence, the clinical significance of this variant remains unclear.

Baylor Genetics
Classification: Uncertain significance for BAP1-related tumor predisposition syndrome. Last evaluated: 2024-01-22. Review status: criteria provided, single submitter. Criteria: ACMG Guidelines, 2015. Collection method: clinical testing. Allele origin: unknown.

GeneDx
Classification: Uncertain significance. Last evaluated: 2023-12-01. Review status: criteria provided, single submitter. Criteria: GeneDx Variant Classification Process June 2021. Collection method: clinical testing. Allele origin: germline. Affected: yes.
Comment: Not observed at significant frequency in large population cohorts (gnomAD); In silico analysis supports that this missense variant does not alter protein structure/function; Has not been previously published as pathogenic or benign to our knowledge

Color Diagnostics, LLC DBA Color Health
Classification: Uncertain significance for Hereditary cancer-predisposing syndrome. Last evaluated: 2023-08-16. Review status: criteria provided, single submitter. Criteria: ACMG Guidelines, 2015. Collection method: clinical testing. Allele origin: germline.
Comment: This missense variant replaces serine with asparagine at codon 623 of the BAP1 protein. Computational prediction suggests that this variant may not impact protein structure and function (internally defined REVEL score threshold <= 0.5, PMID: 27666373). To our knowledge, functional studies have not been reported for this variant. This variant has not been reported in individuals affected with BAP1-related disorders in the literature. This variant has been identified in 1/251260 chromosomes in the general population by the Genome Aggregation Database (gnomAD). The available evidence is insufficient to determine the role of this variant in disease conclusively. Therefore, this variant is classified as a Variant of Uncertain Significance.